The following is an entry in ClinVar:

ClinVar aggregate classification (germline): Uncertain significance (3 of 4 stars; one submission).

Conditions:
Mitochondrial disease. Also called: Mitochondrial disorders; Mitochondrial disorder. Identifiers: Orphanet 68380, MedGen C0751651, MeSH D028361, MONDO:0044970.

Submission:

ClinGen Mitochondrial Disease Nuclear and Mitochondrial  Variant Curation Expert Panel, ClinGen
Classification: Uncertain significance for Mitochondrial disease. Last evaluated: 2021-12-10. Review status: reviewed by expert panel. Criteria: clingen mito disease acmg specifications v1-1. Collection method: curation. Allele origin: germline. Inheritance: Mitochondrial inheritance.
Comment: The m.7092T>C (p.F397L) variant in MT-CO1 was reviewed by the Mitochondrial Disease Nuclear and Mitochondrial Variant Curation Expert Panel as part of the variant pilot for mitochondrial DNA variant specifications (McCormick et al., 2020; PMID: 32906214). There have been no affected individuals reported in the medical literature to our knowledge. There are no large families reported in the medical literature to consider for evidence of segregation. There is one occurrence in the GenBank sequences queried through MITOMAP on 6/29/2020 (1 individual from haplogroup I4a). In silico tools (APOGEE) predict this variant to be pathogenic (PP3). There are no cybrid or single fiber studies reported on this variant. In summary, this variant meets criteria to be classified as uncertain significance for primary mitochondrial disease inherited in a mitochondrial manner. This classification was approved by the NICHD U24 Mitochondrial Disease Variant Curation Expert Panel as of August 20, 2020. Mitochondrial DNA-specific ACMG/AMP criteria applied: PP3.

NC_012920.1(MT-CO1):m.7092T>C

Gene: MT-CO1 (mitochondrially encoded cytochrome c oxidase I; plus strand).
Variant type: single nucleotide variant.
Genome position: chrM-7092-T-C.
Other names: NC_012920.1:m.7092T>C.
Identifiers: ClinVar variation 1328511 (VCV001328511.1), dbSNP rs2124593818, ClinGen allele CA414791198.
Genomic context (GRCh38, chrMT:7,092, plus strand): 5'-TTCCACTATGTCCTATCAATAGGAGCTGTATTTGCCATCATAGGAGGCTTCATTCACTGA[T>C]TTCCCCTATTCTCAGGCTACACCCTAGACCAAACCTACGCCAAAATCCATTTCACTATCA-3'